The following is an entry in ClinVar:

ClinVar aggregate classification (germline): Likely benign (1 of 4 stars; one submission).

Conditions:
Deficiency of adenosine deaminase 2. Also called: Polyarteritis nodosa, childhoood-onset; Adenosine Deaminase 2 Deficiency; VASCULITIS, AUTOINFLAMMATION, IMMUNODEFICIENCY, AND HEMATOLOGIC DEFECTS SYNDROME. Identifiers: Orphanet 404553, MedGen C3887654, MONDO:0014306, OMIM 615688, MONDO:0100317.

Submission:

Dasa
Classification: Likely benign for Deficiency of adenosine deaminase 2. Last evaluated: 2026-02-25. Review status: criteria provided, single submitter. Criteria: DASA Assertion Criteria. Collection method: clinical testing. Allele origin: germline.
Comment: NM_001282225.2(ADA2):c.1082-1195del is an intronic variant. The variant context is inconsistent with a known disease-causing mechanism. Computational prediction algorithms are consistent with a benign effect. Therefore, based on the currently available evidence, this variant is classified as likely benign.

NM_001282225.2(ADA2):c.1082-1195del

Gene: ADA2 (adenosine deaminase 2; minus strand). Cytogenetic location: 22q11.1.
Variant type: Deletion.
Coding change: c.1082-1195del on transcript NM_001282225.2 (MANE Select); 1195 bases into the intron before coding-DNA position 1082, one base deleted (A; older notation c.1082-1195delA).
Molecular consequence: intron variant.
Genome position (GRCh38, 1-based): chr22:17,183,956, T deleted on the plus strand (A on the coding strand, the reverse complement: ADA2 is on the minus strand); the first of 21 consecutive T bases (chr22:17,183,956-17,183,976); deleting any one gives the same sequence. VCF-style (leftmost placement, unchanged base first): chr22-17183955-CT-C. GRCh37 (hg19) VCF-style: chr22-17664845-CT-C.
Other names: c.359-1195del (NM_177405.3); c.956-1195del (NM_001282227.2, NM_001282228.2); c.722-1195del (NM_001282229.2); c.1082-1195del (NM_001282226.2).
Identifiers: ClinVar variation 4884157 (VCV004884157.2).
Genomic context (GRCh38, chr22:17,183,955, plus strand): 5'-TAGATGACCGCAGACAGTCTTGTGGCCTCCCTTCTCCCCTGCCATCCCCATCACACCTTT[CT>C]TTTTTTTTTTTTTTTTTTTTGAGATGGAGTCTCGCTCTGTCACCCAGGCTGGAGTGCAGT-3'